The following is an entry in ClinVar:

ClinVar aggregate classification (germline): Uncertain significance (1 of 4 stars; one submission).

Conditions:
Chuvash polycythemia. Also called: POLYCYTHEMIA, VHL-DEPENDENT. Identifiers: Orphanet 238557, MedGen C1837915, MONDO:0009892, OMIM 263400.
Von Hippel-Lindau syndrome (VHLS). Also called: Von Hippel-Lindau; VHL syndrome; von Hippel–Lindau syndrome. Identifiers: Orphanet 892, MedGen C0019562, MONDO:0008667, OMIM 193300. Disease mechanism: loss of function.

Submission:

Labcorp Genetics (formerly Invitae), Labcorp
Classification: Uncertain significance for Von Hippel-Lindau syndrome; Chuvash polycythemia. Last evaluated: 2021-09-15. Review status: criteria provided, single submitter. Criteria: Invitae Variant Classification Sherloc (09022015). Collection method: clinical testing. Allele origin: germline.
Comment: In summary, the available evidence is currently insufficient to determine the role of this variant in disease. Therefore, it has been classified as a Variant of Uncertain Significance. Advanced modeling of protein sequence and biophysical properties (such as structural, functional, and spatial information, amino acid conservation, physicochemical variation, residue mobility, and thermodynamic stability) performed at Invitae indicates that this missense variant is expected to disrupt VHL protein function. This variant has not been reported in the literature in individuals affected with VHL-related conditions. This variant is not present in population databases (ExAC no frequency). This sequence change replaces aspartic acid with alanine at codon 92 of the VHL protein (p.Asp92Ala). The aspartic acid residue is moderately conserved and there is a moderate physicochemical difference between aspartic acid and alanine.

NM_000551.4(VHL):c.275A>C (p.Asp92Ala)

Gene: VHL (von Hippel-Lindau tumor suppressor; plus strand). Cytogenetic location: 3p25.3.
Variant type: single nucleotide variant.
Coding change: c.275A>C on transcript NM_000551.4 (MANE Select); coding-DNA position 275, A replaced by C.
Protein change: p.Asp92Ala; replaces aspartic acid 92 with alanine.
Molecular consequence: missense variant.
Genome position (GRCh38, 1-based): chr3:10,142,122, A>C. VCF-style: chr3-10142122-A-C. GRCh37 (hg19) VCF-style: chr3-10183806-A-C.
Other names: c.275A>C, p.Asp92Ala (NM_001354723.2, NM_198156.3); short protein forms D92A.
Identifiers: ClinVar variation 1504644 (VCV001504644.6), dbSNP rs749091984, ClinGen allele CA351750762.